The following is an entry in ClinVar:

ClinVar aggregate classification (germline): Likely benign. Review status: criteria provided, multiple submitters, no conflicts (2 of 4 stars). 2 submissions from 2 submitters: Likely benign (2). Last evaluated 2018-06-18.

Allele frequency attached by ClinVar (database versions not stated): gnomAD 0.02117 and 0.01816; TOPMed 0.02019; 1000 Genomes Project 30x 0.03264; 1000 Genomes Project 0.03494.
gnomAD v4.1: 10,144 of 426,546 alleles (2.4%); highest among the groups gnomAD compares: South Asian, 7.3%; 174 homozygotes.

Submissions (2):

GeneDx
Classification: Likely benign. Last evaluated: 2018-06-18. Review status: criteria provided, single submitter. Criteria: GeneDx Variant Classification (06012015). Collection method: clinical testing. Allele origin: germline. Affected: yes.
Comment: This variant is considered likely benign or benign based on one or more of the following criteria: it is a conservative change, it occurs at a poorly conserved position in the protein, it is predicted to be benign by multiple in silico algorithms, and/or has population frequency not consistent with disease.

Breakthrough Genomics
Classification: Likely benign. Review status: criteria provided, single submitter. Criteria: ACMG Guidelines, 2015. Collection method: not provided. Allele origin: germline. Inheritance: Autosomal recessive inheritance. Affected: yes.

NM_016006.4(ABHD5):c.-248C>T

Genes: ABHD5 (abhydrolase domain containing 5, lysophosphatidic acid acyltransferase; plus strand), ANO10 (anoctamin 10; minus strand). Cytogenetic location: 3p21.33.
Variant type: single nucleotide variant.
Coding change: c.-248C>T on transcript NM_016006.4; 248 bases upstream of the start codon, C replaced by T.
Molecular consequence: intron variant (on NM_001346469.2).
Genome position (GRCh38, 1-based): chr3:43,690,745, C>T. VCF-style: chr3-43690745-C-T. GRCh37 (hg19) VCF-style: chr3-43732237-C-T.
Other names: c.-12+772G>A (NM_001346469.2, NM_001346468.2).
Identifiers: ClinVar variation 670436 (VCV000670436.4), dbSNP rs79436573, ClinGen allele CA74390307.